The following is an entry in ClinVar:

ClinVar aggregate classification (germline): Conflicting classifications of pathogenicity. Review status: criteria provided, conflicting classifications (1 of 4 stars). 3 submissions from 3 submitters: Uncertain significance (2); Likely benign (1). Last evaluated 2025-08-29.

Conditions:
Inborn genetic diseases. Identifiers: MedGen C0950123, MeSH D030342.

gnomAD v4.1: 17 of 1,614,178 alleles (0.0011%); highest among the groups gnomAD compares: African/African-American, 0.004%; no homozygotes.

Submissions (3):

Ambry Genetics
Classification: Uncertain significance for Inborn genetic diseases. Last evaluated: 2025-08-29. Review status: criteria provided, single submitter. Criteria: Ambry Variant Classification Scheme 2023. Collection method: clinical testing. Allele origin: germline.

Labcorp Genetics (formerly Invitae), Labcorp
Classification: Uncertain significance. Last evaluated: 2025-07-21. Review status: criteria provided, single submitter. Criteria: Invitae Variant Classification Sherloc (09022015). Collection method: clinical testing. Allele origin: germline.
Comment: This sequence change replaces aspartic acid, which is acidic and polar, with asparagine, which is neutral and polar, at codon 855 of the DSG1 protein (p.Asp855Asn). This variant is present in population databases (rs561112685, gnomAD 0.01%). This variant has not been reported in the literature in individuals affected with DSG1-related conditions. ClinVar contains an entry for this variant (Variation ID: 3708934). An algorithm developed to predict the effect of missense changes on protein structure and function (PolyPhen-2) suggests that this variant is likely to be disruptive. In summary, the available evidence is currently insufficient to determine the role of this variant in disease. Therefore, it has been classified as a Variant of Uncertain Significance.

Blueprint Genetics
Classification: Likely benign. Last evaluated: 2020-12-08. Review status: criteria provided, single submitter. Criteria: ACMG Guidelines, 2015. Collection method: clinical testing. Allele origin: germline.

NM_001942.4(DSG1):c.2563G>A (p.Asp855Asn)

Genes: DSG1 (desmoglein 1; plus strand), DSG1-AS1 (DSG1 antisense RNA 1; minus strand), LOC126862720 (MED14-independent group 3 enhancer GRCh37_chr18:28933613-28934812; plus strand). Cytogenetic location: 18q12.1.
Variant type: single nucleotide variant.
Coding change: c.2563G>A on transcript NM_001942.4 (MANE Select); coding-DNA position 2563, G replaced by A.
Protein change: p.Asp855Asn; replaces aspartic acid 855 with asparagine.
Molecular consequence: missense variant.
Genome position (GRCh38, 1-based): chr18:31,354,759, G>A. VCF-style: chr18-31354759-G-A. GRCh37 (hg19) VCF-style: chr18-28934722-G-A.
Other names: c.2563G>A (NM_001942.2); short protein forms D855N.
Identifiers: ClinVar variation 3708934 (VCV003708934.4).
Genomic context (GRCh38, chr18:31,354,759, plus strand): 5'-GTCACTGTGACCGAGTCTTACACCACCTCTGACACTCTGAAGCCCTCTGTGCACGTTCAC[G>A]ATAACCGACCAGCATCAAACGTGGTAGTGACAGAGAGAGTGGTCGGCCCAATCTCTGGCG-3'
Protein context (NP_001933.2, residues 845-865): DTLKPSVHVH[Asp855Asn]NRPASNVVVT